The following is an entry in ClinVar:

NM_006231.4(POLE):c.1281dup (p.Ala428fs)

Gene: POLE (DNA polymerase epsilon, catalytic subunit; minus strand). Cytogenetic location: 12q24.33.
Variant type: Duplication.
Coding change: c.1281dup on transcript NM_006231.4 (MANE Select); coding-DNA position 1281, one base duplicated (C; older notation c.1281dupC).
Protein change: p.Ala428fs; shifts the reading frame from alanine 428.
Molecular consequence: frameshift variant.
Genome position (GRCh38, 1-based): chr12:132,673,653, G duplicated on the plus strand (C on the coding strand, the reverse complement: POLE is on the minus strand); the first of 2 consecutive G bases (chr12:132,673,653-132,673,654); duplicating either gives the same sequence. VCF-style (leftmost placement, unchanged base first): chr12-132673652-C-CG. GRCh37 (hg19) VCF-style: chr12-133250238-C-CG.
Other names: short protein forms A428fs.
Identifiers: ClinVar variation 2711238 (VCV002711238.3), dbSNP rs2542146457, ClinGen allele CA2697551609.

ClinVar aggregate classification (germline): Pathogenic (1 of 4 stars; one submission).

Submission:

Labcorp Genetics (formerly Invitae), Labcorp
Classification: Pathogenic. Last evaluated: 2023-06-11. Review status: criteria provided, single submitter. Criteria: Invitae Variant Classification Sherloc (09022015). Collection method: clinical testing. Allele origin: germline.
Comment: This sequence change creates a premature translational stop signal (p.Ala428Argfs*8) in the POLE gene. It is expected to result in an absent or disrupted protein product. Loss-of-function variants in POLE are known to be pathogenic (PMID: 23230001, 25948378, 30503519). This variant is not present in population databases (gnomAD no frequency). This variant has not been reported in the literature in individuals affected with POLE-related conditions. For these reasons, this variant has been classified as Pathogenic.

Literature cited by the submitters: PubMed 23230001; PubMed 25948378; PubMed 30503519.